The following is an entry in ClinVar:

NM_016222.4(DDX41):c.1695G>A (p.Val565=)

Gene: DDX41 (DEAD-box helicase 41; minus strand). Cytogenetic location: 5q35.3.
Variant type: single nucleotide variant.
Coding change: c.1695G>A on transcript NM_016222.4 (MANE Select); coding-DNA position 1695, G replaced by A.
Protein change: p.Val565=; no amino-acid change (valine 565 retained).
Molecular consequence: synonymous variant.
Genome position (GRCh38, 1-based): chr5:177,512,133, C>T on the plus strand (G>A on the coding strand, the complement: DDX41 is on the minus strand). VCF-style: chr5-177512133-C-T. GRCh37 (hg19) VCF-style: chr5-176939134-C-T.
Other names: c.1317G>A, p.Val439= (NM_001321732.2, NM_001321830.2).
Identifiers: ClinVar variation 4869698 (VCV004869698.1).

ClinVar aggregate classification (germline): Uncertain significance (1 of 4 stars; one submission).

Conditions:
Inborn genetic diseases. Identifiers: MedGen C0950123, MeSH D030342.

Submission:

Ambry Genetics
Classification: Uncertain significance for Inborn genetic diseases. Last evaluated: 2026-06-11. Review status: criteria provided, single submitter. Criteria: Ambry Variant Classification Scheme 2023. Collection method: clinical testing. Allele origin: germline.
Comment: The c.1695G>A variant (also known as p.V565V), located in coding exon 16 of the DDX41 gene, results from a G to A substitution at nucleotide position 1695. This nucleotide substitution does not change the valine at codon 565. This nucleotide position is not well conserved in available vertebrate species. In silico splice site analysis predicts that this alteration may weaken the native splice donor site and may result in the creation or strengthening of a novel splice donor site. Based on the available evidence, the clinical significance of this variant remains unclear.